The following is an entry in ClinVar:

NM_001130144.3(LTBP3):c.3021G>C (p.Glu1007Asp)

Genes: LTBP3 (latent transforming growth factor beta binding protein 3; minus strand), LOC121832793 (Sharpr-MPRA regulatory region 4001; plus strand). Cytogenetic location: 11q13.1.
Variant type: single nucleotide variant.
Coding change: c.3021G>C on transcript NM_001130144.3 (MANE Select); coding-DNA position 3021, G replaced by C.
Protein change: p.Glu1007Asp; replaces glutamic acid 1007 with aspartic acid.
Molecular consequence: missense variant.
Genome position (GRCh38, 1-based): chr11:65,540,571, C>G on the plus strand (G>C on the coding strand, the complement: LTBP3 is on the minus strand). VCF-style: chr11-65540571-C-G. GRCh37 (hg19) VCF-style: chr11-65308042-C-G.
Other names: c.2670G>C, p.Glu890Asp (NM_001164266.1); c.3021G>C, p.Glu1007Asp (NM_021070.4); short protein forms E1007D, E890D.
Identifiers: ClinVar variation 2335597 (VCV002335597.4), dbSNP rs766570304, ClinGen allele CA6100372.

ClinVar aggregate classification (germline): Uncertain significance. Review status: criteria provided, multiple submitters, no conflicts (2 of 4 stars). 2 submissions from 2 submitters: Uncertain significance (2). Last evaluated 2024-12-11.

Conditions:
Inborn genetic diseases. Identifiers: MedGen C0950123, MeSH D030342.
Brachyolmia-amelogenesis imperfecta syndrome. Also called: PLATYSPONDYLY WITH AMELOGENESIS IMPERFECTA; Tooth agenesis, selective, 6; Dental anomalies and short stature. Identifiers: Orphanet 2899, MedGen C1832594, MONDO:0011018, OMIM 601216. Disease mechanism: loss of function.

Allele frequency attached by ClinVar (database versions not stated): TOPMed below 0.00001; ExAC 0.00001; gnomAD 0.00001; gnomAD exomes 0.00001.
gnomAD v4.1: 17 of 1,613,768 alleles (0.0011%); highest among the groups gnomAD compares: Non-Finnish European, 0.0014%; no homozygotes.

Submissions (2):

Labcorp Genetics (formerly Invitae), Labcorp
Classification: Uncertain significance for Brachyolmia-amelogenesis imperfecta syndrome. Last evaluated: 2024-12-11. Review status: criteria provided, single submitter. Criteria: Invitae Variant Classification Sherloc (09022015). Collection method: clinical testing. Allele origin: germline.
Comment: This sequence change replaces glutamic acid, which is acidic and polar, with aspartic acid, which is acidic and polar, at codon 1007 of the LTBP3 protein (p.Glu1007Asp). This variant is present in population databases (rs766570304, gnomAD 0.003%). This variant has not been reported in the literature in individuals affected with LTBP3-related conditions. ClinVar contains an entry for this variant (Variation ID: 2335597). An algorithm developed to predict the effect of missense changes on protein structure and function (PolyPhen-2) suggests that this variant is likely to be disruptive. In summary, the available evidence is currently insufficient to determine the role of this variant in disease. Therefore, it has been classified as a Variant of Uncertain Significance.

Ambry Genetics
Classification: Uncertain significance for Inborn genetic diseases. Last evaluated: 2023-09-23. Review status: criteria provided, single submitter. Criteria: Ambry Variant Classification Scheme 2023. Collection method: clinical testing. Allele origin: germline.
Comment: The p.E1007D variant (also known as c.3021G>C), located in coding exon 22 of the LTBP3 gene, results from a G to C substitution at nucleotide position 3021. The glutamic acid at codon 1007 is replaced by aspartic acid, an amino acid with highly similar properties. This amino acid position is conserved. In addition, the in silico prediction for this alteration is inconclusive. Since supporting evidence is limited at this time, the clinical significance of this alteration remains unclear.